The following is an entry in ClinVar:

NM_004937.3(CTNS):c.1082C>T (p.Pro361Leu)

Gene: CTNS (cystinosin, lysosomal cystine transporter; plus strand). Cytogenetic location: 17p13.2.
Variant type: single nucleotide variant.
Coding change: c.1082C>T on transcript NM_004937.3 (MANE Select); coding-DNA position 1082, C replaced by T.
Protein change: p.Pro361Leu; replaces proline 361 with leucine.
Molecular consequence: missense variant.
Genome position (GRCh38, 1-based): chr17:3,660,347, C>T. VCF-style: chr17-3660347-C-T. GRCh37 (hg19) VCF-style: chr17-3563641-C-T.
Other names: c.1082C>T, p.Pro361Leu (NM_001031681.3, NM_001374492.1); c.641C>T, p.Pro214Leu (NM_001374493.1, NM_001374494.1, NM_001374495.1 and 1 more transcripts); short protein forms P361L, P214L.
Identifiers: ClinVar variation 574468 (VCV000574468.16), dbSNP rs560868487, ClinGen allele CA8292031.

ClinVar aggregate classification (germline): Conflicting classifications of pathogenicity. Review status: criteria provided, conflicting classifications (1 of 4 stars). 4 submissions from 4 submitters: Uncertain significance (2); Likely benign (1). 1 of the submissions does not count toward it. Last evaluated 2026-04-26.

Conditions:
Ocular cystinosis. Also called: Non-Nephropathic Cystinosis; Non-Nephropathic (Ocular) Cystinosis. Identifiers: Orphanet 213, Orphanet 411641, MedGen C2931013, MONDO:0009064, OMIM 219750.
Juvenile nephropathic cystinosis. Also called: CYSTINOSIS, LATE-ONSET JUVENILE OR ADOLESCENT NEPHROPATHIC TYPE; Intermediate Cystinosis; Later-Onset (Juvenile) Cystinosis. Identifiers: Orphanet 213, Orphanet 411634, MedGen C0268626, MONDO:0009066, OMIM 219900.
Inborn genetic diseases. Identifiers: MedGen C0950123, MeSH D030342.
Cystinosis. Also called: Cystine diathesis; Cystine storage disease; Cystinoses. Identifiers: Orphanet 213, MedGen C4316899, MONDO:0016239.

Allele frequency attached by ClinVar (database versions not stated): 1000 Genomes Project 0.00020; TOPMed 0.00011; 1000 Genomes Project 30x 0.00016.
gnomAD v4.1: 181 of 1,614,188 alleles (0.011%); highest among the groups gnomAD compares: South Asian, 0.06%; 1 homozygote.

Submissions (4):

GeneDx
Classification: Uncertain significance. Last evaluated: 2026-04-26. Review status: criteria provided, single submitter. Criteria: GeneDx Variant Classification Process June 2021. Collection method: clinical testing. Allele origin: germline.
Comment: In silico analysis supports that this missense variant has a deleterious effect on protein structure/function; Has not been previously published as pathogenic or benign to our knowledge

Labcorp Genetics (formerly Invitae), Labcorp
Classification: Likely benign for Inborn genetic diseases; Ocular cystinosis; Juvenile nephropathic cystinosis. Last evaluated: 2026-02-04. Review status: criteria provided, single submitter. Criteria: Invitae Variant Classification Sherloc (09022015). Collection method: clinical testing. Allele origin: germline.

Ambry Genetics
Classification: Uncertain significance for Inborn genetic diseases. Last evaluated: 2024-03-30. Review status: criteria provided, single submitter. Criteria: Ambry Variant Classification Scheme 2023. Collection method: clinical testing. Allele origin: germline.

Natera, Inc.
Classification: Uncertain significance for Cystinosis. Last evaluated: 2019-10-28. Review status: no assertion criteria provided. Collection method: clinical testing. Allele origin: germline. Not counted in ClinVar's aggregate classification.